The following is an entry in ClinVar:

NM_000821.7(GGCX):c.387_388insTGGGC (p.Met130fs)

Gene: GGCX (gamma-glutamyl carboxylase; minus strand). Cytogenetic location: 2p11.2.
Variant type: Insertion.
Coding change: c.387_388insTGGGC on transcript NM_000821.7 (MANE Select); coding-DNA positions 387 to 388, TGGGC inserted.
Protein change: p.Met130fs; shifts the reading frame from methionine 130.
Molecular consequence: frameshift variant. On other transcripts: 3 prime UTR variant (1).
Genome position: GRCh38 VCF-style: chr2-85558591-T-TGCCCA. GRCh37 (hg19) VCF-style: chr2-85785714-T-TGCCCA.
Other names: c.*299_*300insTGGGC (NM_001311312.2); c.216_217insTGGGC, p.Met73fs (NM_001142269.4); short protein forms M73fs, M130fs.
Identifiers: ClinVar variation 2097244 (VCV002097244.4), dbSNP rs1692304617, ClinGen allele CA427091151.

ClinVar aggregate classification (germline): Pathogenic (1 of 4 stars; one submission).

Allele frequency attached by ClinVar (database versions not stated): gnomAD exomes below 0.00001; TOPMed below 0.00001; gnomAD 0.00001.

Submission:

Labcorp Genetics (formerly Invitae), Labcorp
Classification: Pathogenic. Last evaluated: 2022-10-05. Review status: criteria provided, single submitter. Criteria: Invitae Variant Classification Sherloc (09022015). Collection method: clinical testing. Allele origin: germline.
Comment: For these reasons, this variant has been classified as Pathogenic. Algorithms developed to predict the effect of sequence changes on RNA splicing suggest that this variant may disrupt the consensus splice site. This variant has not been reported in the literature in individuals affected with GGCX-related conditions. This variant is not present in population databases (gnomAD no frequency). This sequence change creates a premature translational stop signal (p.Met130Trpfs*10) in the GGCX gene. It is expected to result in an absent or disrupted protein product. Loss-of-function variants in GGCX are known to be pathogenic (PMID: 17110937, 17327402, 24520408).

Literature cited by the submitters: PubMed 17110937; PubMed 17327402; PubMed 24520408.